The following is an entry in ClinVar:

ClinVar aggregate classification (germline): Uncertain significance (1 of 4 stars; one submission).

Submission:

Labcorp Genetics (formerly Invitae), Labcorp
Classification: Uncertain significance. Last evaluated: 2025-01-23. Review status: criteria provided, single submitter. Criteria: Invitae Variant Classification Sherloc (09022015). Collection method: clinical testing. Allele origin: germline.
Comment: This sequence change replaces proline, which is neutral and non-polar, with histidine, which is basic and polar, at codon 770 of the CSF2RB protein (p.Pro770His). This variant is not present in population databases (gnomAD no frequency). This variant has not been reported in the literature in individuals affected with CSF2RB-related conditions. Invitae Evidence Modeling of protein sequence and biophysical properties (such as structural, functional, and spatial information, amino acid conservation, physicochemical variation, residue mobility, and thermodynamic stability) indicates that this missense variant is expected to disrupt CSF2RB protein function with a positive predictive value of 80%. In summary, the available evidence is currently insufficient to determine the role of this variant in disease. Therefore, it has been classified as a Variant of Uncertain Significance.

NM_000395.3(CSF2RB):c.2309C>A (p.Pro770His)

Gene: CSF2RB (colony stimulating factor 2 receptor subunit beta; plus strand). Cytogenetic location: 22q12.3.
Variant type: single nucleotide variant.
Coding change: c.2309C>A on transcript NM_000395.3 (MANE Select); coding-DNA position 2309, C replaced by A.
Protein change: p.Pro770His; replaces proline 770 with histidine.
Molecular consequence: missense variant.
Genome position (GRCh38, 1-based): chr22:36,938,117, C>A. VCF-style: chr22-36938117-C-A. GRCh37 (hg19) VCF-style: chr22-37334159-C-A.
Other names: c.2327C>A, p.Pro776His (NM_001410827.1); short protein forms P770H, P776H.
Identifiers: ClinVar variation 3666166 (VCV003666166.2).